The following is an entry in ClinVar:

ClinVar aggregate classification (germline): Uncertain significance (1 of 4 stars; one submission).

Conditions:
Intellectual developmental disorder, autosomal recessive 48. Also called: Progressive essential tremor-speech impairment-facial dysmorphism-intellectual disability-abnormal behavior syndrome. Identifiers: Orphanet 457212, MedGen C4225395, MONDO:0014559, OMIM 616269.

Allele frequency attached by ClinVar (database versions not stated): gnomAD exomes below 0.00001; TOPMed below 0.00001.
gnomAD v4.1: 1 of 1,613,654 alleles (0.000062%); highest among the groups gnomAD compares: African/African-American, 0.0013%; no homozygotes.

Submission:

Baylor Genetics
Classification: Uncertain significance for Intellectual developmental disorder, autosomal recessive 48. Last evaluated: 2018-03-22. Review status: criteria provided, single submitter. Criteria: ACMG Guidelines, 2015. Collection method: clinical testing. Allele origin: maternal. Affected: yes.
Comment: This variant was determined to be of uncertain significance according to ACMG Guidelines, 2015 [PMID:25741868].

NM_001010898.4(SLC6A17):c.852G>A (p.Met284Ile)

Gene: SLC6A17 (solute carrier family 6 member 17; plus strand). Cytogenetic location: 1p13.3.
Variant type: single nucleotide variant.
Coding change: c.852G>A on transcript NM_001010898.4 (MANE Select); coding-DNA position 852, G replaced by A.
Protein change: p.Met284Ile; replaces methionine 284 with isoleucine.
Molecular consequence: missense variant.
Genome position (GRCh38, 1-based): chr1:110,176,727, G>A. VCF-style: chr1-110176727-G-A. GRCh37 (hg19) VCF-style: chr1-110719349-G-A.
Other names: short protein forms M284I.
Identifiers: ClinVar variation 1031720 (VCV001031720.1), dbSNP rs1188854712, ClinGen allele CA341572982.